The following is an entry in ClinVar:

ClinVar aggregate classification (germline): Conflicting classifications of pathogenicity. Review status: criteria provided, conflicting classifications (1 of 4 stars). 11 submissions from 10 submitters: Uncertain significance (3); Likely benign (5). 3 of the submissions do not count toward it. Last evaluated 2026-02-01.

Conditions:
Autoinflammatory syndrome. Identifiers: Orphanet 93665, MedGen C3890737, MONDO:0019751.
Porokeratosis 3, disseminated superficial actinic type (POROK3). Also called: POROKERATOSIS, DISSEMINATED SUPERFICIAL ACTINIC, 1; POROKERATOSIS 3, MULTIPLE TYPES; POROKERATOSIS 3, MIBELLI TYPE. Identifiers: MedGen C1867981, MONDO:0008293, OMIM 175900.
Mevalonic aciduria (MEVA). Identifiers: Orphanet 29, MedGen C1959626, MONDO:0012481, OMIM 610377.
Hyperimmunoglobulin D with periodic fever (HIDS). Also called: HYPERIMMUNOGLOBULINEMIA D AND PERIODIC FEVER SYNDROME; Hyperimmunoglobulinemia D; Hyperimmunoglobulinemia D with periodic fever. Identifiers: Orphanet 343, MedGen C0398691, MONDO:0009849, OMIM 260920.

Allele frequency attached by ClinVar (database versions not stated): ESP Exome Variant Server 0.00008; TOPMed 0.00013; 1000 Genomes Project 30x 0.00016; gnomAD exomes 0.00018; 1000 Genomes Project 0.00020; ExAC 0.00021; gnomAD 0.00025.
gnomAD v4.1: 265 of 1,614,046 alleles (0.016%); highest among the groups gnomAD compares: South Asian, 0.067%; 1 homozygote.

Submissions (11):

CeGaT Center for Human Genetics Tuebingen
Classification: Likely benign. Last evaluated: 2026-02-01. Review status: criteria provided, single submitter. Criteria: CeGaT Center For Human Genetics Tuebingen Variant Classification Criteria Version 2. Collection method: clinical testing. Allele origin: germline. Affected: yes. Observed: 1 variant allele.
Comment: MVK: BP4, BP7

Labcorp Genetics (formerly Invitae), Labcorp
Classification: Likely benign for Mevalonic aciduria; Hyperimmunoglobulin D with periodic fever; Porokeratosis 3, disseminated superficial actinic type. Last evaluated: 2026-02-01. Review status: criteria provided, single submitter. Criteria: Invitae Variant Classification Sherloc (09022015). Collection method: clinical testing. Allele origin: germline.

Blueprint Genetics
Classification: Likely benign. Last evaluated: 2024-09-16. Review status: criteria provided, single submitter. Criteria: ACMG Guidelines, 2015. Collection method: clinical testing. Allele origin: germline.

ARUP Laboratories, Molecular Genetics and Genomics, ARUP Laboratories
Classification: Likely benign. Last evaluated: 2023-10-02. Review status: criteria provided, single submitter. Criteria: ARUP Molecular Germline Variant Investigation Process 2024. Collection method: clinical testing. Allele origin: germline.

Illumina Laboratory Services, Illumina
Classification: Uncertain significance for Mevalonic aciduria. Last evaluated: 2018-01-13. Review status: criteria provided, single submitter. Criteria: ICSL Variant Classification Criteria 13 December 2019. Collection method: clinical testing. Allele origin: germline.

Illumina Laboratory Services, Illumina
Classification: Uncertain significance for Hyperimmunoglobulin D with periodic fever. Last evaluated: 2018-01-13. Review status: criteria provided, single submitter. Criteria: ICSL Variant Classification Criteria 13 December 2019. Collection method: clinical testing. Allele origin: germline.

Genome Diagnostics Laboratory, The Hospital for Sick Children
Classification: Uncertain significance for Autoinflammatory syndrome. Last evaluated: 2017-11-01. Review status: criteria provided, single submitter. Criteria: ACMG Guidelines, 2015. Collection method: clinical testing. Allele origin: germline. Affected: yes.

GeneDx
Classification: Likely benign. Last evaluated: 2016-02-11. Review status: criteria provided, single submitter. Criteria: GeneDx Variant Classification (06012015). Collection method: clinical testing. Allele origin: germline. Affected: yes.
Comment: This variant is considered likely benign or benign based on one or more of the following criteria: it is a conservative change, it occurs at a poorly conserved position in the protein, it is predicted to be benign by multiple in silico algorithms, and/or has population frequency not consistent with disease.

Clinical Genetics DNA and cytogenetics Diagnostics Lab, Erasmus MC, Erasmus Medical Center
Classification: Likely benign. Review status: no assertion criteria provided. Collection method: clinical testing. Allele origin: germline. Affected: yes. Study: VKGL Data-share Consensus. Not counted in ClinVar's aggregate classification.

Diagnostic Laboratory, Department of Genetics, University Medical Center Groningen
Classification: Likely benign. Review status: no assertion criteria provided. Collection method: clinical testing. Allele origin: germline. Affected: yes. Study: VKGL Data-share Consensus. Not counted in ClinVar's aggregate classification.

Genome Diagnostics Laboratory, University Medical Center Utrecht
Classification: Likely benign. Review status: no assertion criteria provided. Collection method: clinical testing. Allele origin: germline. Affected: yes. Study: VKGL Data-share Consensus. Not counted in ClinVar's aggregate classification.

NM_000431.4(MVK):c.876C>T (p.Leu292=)

Gene: MVK (mevalonate kinase; plus strand). Cytogenetic location: 12q24.11.
Variant type: single nucleotide variant.
Coding change: c.876C>T on transcript NM_000431.4 (MANE Select); coding-DNA position 876, C replaced by T.
Protein change: p.Leu292=; no amino-acid change (leucine 292 retained).
Molecular consequence: synonymous variant.
Genome position (GRCh38, 1-based): chr12:109,591,348, C>T. VCF-style: chr12-109591348-C-T. GRCh37 (hg19) VCF-style: chr12-110029153-C-T.
Other names: c.876C>T (LRG_156t1); c.876C>T, p.Leu292= (NM_001114185.3); c.720C>T, p.Leu240= (NM_001301182.2).
Identifiers: ClinVar variation 246330 (VCV000246330.36), dbSNP rs370301290, ClinGen allele CA6779399.